The following is an entry in ClinVar:

NM_001267550.2(TTN):c.59180G>A (p.Trp19727Ter)

Genes: TTN (titin; minus strand), TTN-AS1 (TTN antisense RNA 1; plus strand). Cytogenetic location: 2q31.2.
Variant type: single nucleotide variant.
Coding change: c.59180G>A on transcript NM_001267550.2 (MANE Select); coding-DNA position 59180, G replaced by A.
Protein change: p.Trp19727Ter; replaces tryptophan 19727 with a stop codon.
Molecular consequence: nonsense.
Genome position (GRCh38, 1-based): chr2:178,592,939, C>T on the plus strand (G>A on the coding strand, the complement: TTN is on the minus strand). VCF-style: chr2-178592939-C-T. GRCh37 (hg19) VCF-style: chr2-179457666-C-T.
Other names: c.54257G>A, p.Trp18086Ter (NM_001256850.1); c.31985G>A, p.Trp10662Ter (NM_003319.4); c.51476G>A, p.Trp17159Ter (NM_133378.4); c.32360G>A, p.Trp10787Ter (NM_133432.3); c.32561G>A, p.Trp10854Ter (NM_133437.4); short protein forms W10662*, W10787*, W10854*, W17159*, W18086*, W19727*.
Identifiers: ClinVar variation 4277236 (VCV004277236.1).

ClinVar aggregate classification (germline): Likely pathogenic (1 of 4 stars; one submission).

Conditions:
Dilated cardiomyopathy 1G (CMD1G). Identifiers: Orphanet 154, MedGen C1858763, MONDO:0011400, OMIM 604145.

Submission:

Institute of Human Genetics, Heidelberg University
Classification: Likely pathogenic for Dilated cardiomyopathy 1G. Last evaluated: 2025-05-21. Review status: criteria provided, single submitter. Criteria: ACMG Guidelines, 2015. Collection method: clinical testing. Allele origin: maternal. Observed: 2 variant alleles.
Comment: PVS1_strong, PM2_mod